The following is an entry in ClinVar:

NM_139281.3(WDR36):c.223G>A (p.Ala75Thr)

Gene: WDR36 (WD repeat domain 36; plus strand). Cytogenetic location: 5q22.1.
Variant type: single nucleotide variant.
Coding change: c.223G>A on transcript NM_139281.3 (MANE Select); coding-DNA position 223, G replaced by A.
Protein change: p.Ala75Thr; replaces alanine 75 with threonine.
Molecular consequence: missense variant.
Genome position (GRCh38, 1-based): chr5:111,097,111, G>A. VCF-style: chr5-111097111-G-A. GRCh37 (hg19) VCF-style: chr5-110432809-G-A.
Other names: short protein forms A75T.
Identifiers: ClinVar variation 2511896 (VCV002511896.5), dbSNP rs758601566, ClinGen allele CA3365214.
Genomic context (GRCh38, chr5:111,097,111, plus strand): 5'-GTTTCTTTCATTTTGTATTTTCTGCTAGGTAATTCTGTTCCACAGGATATCTGCTGTATG[G>A]CAGCTGATGGCAGATTAGTCTTTGCTGCTTATGGAAATGTTTTCTCTGCATTTGCCCGTA-3'
Protein context (NP_644810.2, residues 65-85): NSVPQDICCM[Ala75Thr]ADGRLVFAAY

ClinVar aggregate classification (germline): Uncertain significance. Review status: criteria provided, multiple submitters, no conflicts (2 of 4 stars). 3 submissions from 3 submitters: Uncertain significance (3). Last evaluated 2025-08-29.

Allele frequency attached by ClinVar (database versions not stated): ExAC 0.00001; gnomAD 0.00023; TOPMed 0.00060.
gnomAD v4.1: 63 of 1,613,264 alleles (0.0039%); highest among the groups gnomAD compares: Admixed American, 0.068%; no homozygotes.

Submissions (3):

Labcorp Genetics (formerly Invitae), Labcorp
Classification: Uncertain significance. Last evaluated: 2025-08-29. Review status: criteria provided, single submitter. Criteria: Invitae Variant Classification Sherloc (09022015). Collection method: clinical testing. Allele origin: germline.
Comment: This sequence change replaces alanine, which is neutral and non-polar, with threonine, which is neutral and polar, at codon 131 of the WDR36 protein (p.Ala131Thr). This variant is present in population databases (rs758601566, gnomAD 0.003%). This variant has not been reported in the literature in individuals affected with WDR36-related conditions. ClinVar contains an entry for this variant (Variation ID: 2511896). Invitae Evidence Modeling of protein sequence and biophysical properties (such as structural, functional, and spatial information, amino acid conservation, physicochemical variation, residue mobility, and thermodynamic stability) indicates that this missense variant is not expected to disrupt WDR36 protein function with a negative predictive value of 80%. In summary, the available evidence is currently insufficient to determine the role of this variant in disease. Therefore, it has been classified as a Variant of Uncertain Significance.

Ambry Genetics
Classification: Uncertain significance. Last evaluated: 2025-07-12. Review status: criteria provided, single submitter. Criteria: Ambry Variant Classification Scheme 2023. Collection method: clinical testing. Allele origin: germline.

GeneDx
Classification: Uncertain significance. Last evaluated: 2024-02-08. Review status: criteria provided, single submitter. Criteria: GeneDx Variant Classification Process June 2021. Collection method: clinical testing. Allele origin: germline. Affected: yes.
Comment: Not observed at significant frequency in large population cohorts (gnomAD); In silico analysis supports that this missense variant has a deleterious effect on protein structure/function; Has not been previously published as pathogenic or benign to our knowledge